The following is an entry in ClinVar:

NM_004360.5(CDH1):c.952A>G (p.Thr318Ala)

Gene: CDH1 (cadherin 1; plus strand). Cytogenetic location: 16q22.1.
Variant type: single nucleotide variant.
Coding change: c.952A>G on transcript NM_004360.5 (MANE Select); coding-DNA position 952, A replaced by G.
Protein change: p.Thr318Ala; replaces threonine 318 with alanine.
Molecular consequence: missense variant. On other transcripts: 5 prime UTR variant (2).
Genome position (GRCh38, 1-based): chr16:68,811,803, A>G. VCF-style: chr16-68811803-A-G. GRCh37 (hg19) VCF-style: chr16-68845706-A-G.
Other names: c.952A>G, p.Thr318Ala (NM_001317184.2); c.-664A>G (NM_001317185.2); c.-868A>G (NM_001317186.2); short protein forms T318A.
Identifiers: ClinVar variation 2752684 (VCV002752684.5), dbSNP rs2543922675, ClinGen allele CA396459794.

ClinVar aggregate classification (germline): Conflicting classifications of pathogenicity. Review status: criteria provided, conflicting classifications (1 of 4 stars). 2 submissions from 2 submitters: Uncertain significance (1); Likely benign (1). Last evaluated 2026-06-16.

Conditions:
Hereditary diffuse gastric adenocarcinoma (HDGC). Also called: DIFFUSE GASTRIC AND LOBULAR BREAST CANCER SYNDROME. Identifiers: Orphanet 26106, MedGen C1708349, MONDO:0007648, OMIM 137215.
Hereditary cancer-predisposing syndrome. Also called: Hereditary Cancer Syndrome; Hereditary neoplastic syndrome; Neoplastic Syndromes, Hereditary; Tumor predisposition. Identifiers: Orphanet 140162, MedGen C0027672, MeSH D009386, MONDO:0015356.

Submissions (2):

Ambry Genetics
Classification: Likely benign for Hereditary cancer-predisposing syndrome. Last evaluated: 2026-06-16. Review status: criteria provided, single submitter. Criteria: Ambry Variant Classification Scheme 2023. Collection method: clinical testing. Allele origin: germline.

Labcorp Genetics (formerly Invitae), Labcorp
Classification: Uncertain significance for Hereditary diffuse gastric adenocarcinoma. Last evaluated: 2023-10-30. Review status: criteria provided, single submitter. Criteria: Invitae Variant Classification Sherloc (09022015). Collection method: clinical testing. Allele origin: germline.
Comment: This sequence change replaces threonine, which is neutral and polar, with alanine, which is neutral and non-polar, at codon 318 of the CDH1 protein (p.Thr318Ala). This variant is not present in population databases (gnomAD no frequency). This variant has not been reported in the literature in individuals affected with CDH1-related conditions. An algorithm developed to predict the effect of missense changes on protein structure and function (PolyPhen-2) suggests that this variant is likely to be tolerated. In summary, the available evidence is currently insufficient to determine the role of this variant in disease. Therefore, it has been classified as a Variant of Uncertain Significance.